The following is an entry in ClinVar:

NM_015041.3(CLUAP1):c.579+1G>T

Gene: CLUAP1 (clusterin associated protein 1; plus strand). Cytogenetic location: 16p13.3.
Variant type: single nucleotide variant.
Coding change: c.579+1G>T on transcript NM_015041.3 (MANE Select); the canonical splice donor site of the intron after coding-DNA position 579, G replaced by T.
Molecular consequence: splice donor variant.
Genome position (GRCh38, 1-based): chr16:3,515,592, G>T. VCF-style: chr16-3515592-G-T. GRCh37 (hg19) VCF-style: chr16-3565592-G-T.
Other names: c.579+1G>T (NM_001330454.2); c.81+1G>T (NM_024793.3).
Identifiers: ClinVar variation 2787358 (VCV002787358.4), dbSNP rs777043463, ClinGen allele CA7863772.

ClinVar aggregate classification (germline): Uncertain significance (1 of 4 stars; one submission).

Allele frequency attached by ClinVar (database versions not stated): TOPMed below 0.00001; ExAC 0.00001.

Submissions (2):

Labcorp Genetics (formerly Invitae), Labcorp
Classification: Uncertain significance. Last evaluated: 2023-08-24. Review status: criteria provided, single submitter. Criteria: Invitae Variant Classification Sherloc (09022015). Collection method: clinical testing. Allele origin: germline.
Comment: This variant has not been reported in the literature in individuals affected with CLUAP1-related conditions. Algorithms developed to predict the effect of sequence changes on RNA splicing suggest that this variant may disrupt the consensus splice site. This sequence change affects a donor splice site in intron 6 of the CLUAP1 gene. It is expected to disrupt RNA splicing. Variants that disrupt the donor or acceptor splice site typically lead to a loss of protein function (PMID: 16199547), however the current clinical and genetic evidence is not sufficient to establish whether loss-of-function variants in CLUAP1 cause disease. This variant is present in population databases (rs777043463, gnomAD 0.002%). In summary, the available evidence is currently insufficient to determine the role of this variant in disease. Therefore, it has been classified as a Variant of Uncertain Significance.

Dr. Peter K. Rogan Lab, Western University
No classification provided (evidence only). Condition: Melanoma. Review status: no classification provided. Collection method: in vitro. Allele origin: not applicable. Functional consequence: skipped exon. Not counted in ClinVar's aggregate classification.

Literature cited by the submitters: PubMed 16199547 (cited by Labcorp Genetics (formerly Invitae), Labcorp).